The following is an entry in ClinVar:

NM_003179.3(SYP):c.895G>C (p.Gly299Arg)

Gene: SYP (synaptophysin; minus strand). Cytogenetic location: Xp11.23.
Variant type: single nucleotide variant.
Coding change: c.895G>C on transcript NM_003179.3 (MANE Select); coding-DNA position 895, G replaced by C.
Protein change: p.Gly299Arg; replaces glycine 299 with arginine.
Molecular consequence: missense variant.
Genome position (GRCh38, 1-based): chrX:49,191,484, C>G on the plus strand (G>C on the coding strand, the complement: SYP is on the minus strand). VCF-style: chrX-49191484-C-G. GRCh37 (hg19) VCF-style: chrX-49047941-C-G.
Other names: short protein forms G299R.
Identifiers: ClinVar variation 3361278 (VCV003361278.1).

ClinVar aggregate classification (germline): Uncertain significance (1 of 4 stars; one submission).

Submission:

GeneDx
Classification: Uncertain significance. Last evaluated: 2023-07-20. Review status: criteria provided, single submitter. Criteria: GeneDx Variant Classification Process June 2021. Collection method: clinical testing. Allele origin: germline. Affected: yes.
Comment: Not observed at significant frequency in large population cohorts (gnomAD); In silico analysis supports that this missense variant does not alter protein structure/function; Has not been previously published as pathogenic or benign to our knowledge